The following is an entry in ClinVar:

NM_004168.4(SDHA):c.1257G>A (p.Gly419=)

Gene: SDHA (succinate dehydrogenase complex flavoprotein subunit A; plus strand). Cytogenetic location: 5p15.33.
Variant type: single nucleotide variant.
Coding change: c.1257G>A on transcript NM_004168.4 (MANE Select); coding-DNA position 1257, G replaced by A.
Protein change: p.Gly419=; no amino-acid change (glycine 419 retained).
Molecular consequence: synonymous variant.
Genome position (GRCh38, 1-based): chr5:235,336, G>A. VCF-style: chr5-235336-G-A. GRCh37 (hg19) VCF-style: chr5-235451-G-A.
Other names: c.1113G>A, p.Gly371= (NM_001294332.2); c.1257G>A, p.Gly419= (NM_001330758.2).
Identifiers: ClinVar variation 417270 (VCV000417270.18), dbSNP rs753410011, ClinGen allele CA3173149.
Genomic context (GRCh38, chr5:235,336, plus strand): 5'-GATCCCTGTCCTCCCCACCGTGCATTATAACATGGGCGGCATTCCCACCAACTACAAGGG[G>A]CAGGTGATGGTGCTGGCTCCTCCCCCACAGCTGGAAAGAAGGCTGGGACGACGGGGCCCA-3'
Protein context (NP_004159.2, residues 409-429): NMGGIPTNYK[Gly419=]QVLRHVNGQD

ClinVar aggregate classification (germline): Benign/Likely benign. Review status: criteria provided, multiple submitters, no conflicts (2 of 4 stars). 4 submissions from 4 submitters: Benign (1); Likely benign (3). Last evaluated 2026-08-28.

Conditions:
SDHA-related disorder. Also called: SDHA-related condition; SDHA-related disorders.
Pheochromocytoma/paraganglioma syndrome 5. Also called: SDHA-Related Hereditary Paraganglioma-Pheochromocytoma Syndrome; Paragangliomas 5. Identifiers: Orphanet 29072, MedGen C3279992, MONDO:0013602, OMIM 614165.
Mitochondrial complex II deficiency, nuclear type 1. Also called: SUCCINATE CoQ REDUCTASE DEFICIENCY. Identifiers: Orphanet 3208, MedGen C5700310, MONDO:0100294, OMIM 252011.
Hereditary cancer-predisposing syndrome. Also called: Hereditary Cancer Syndrome; Tumor predisposition; Hereditary neoplastic syndrome; Neoplastic Syndromes, Hereditary. Identifiers: Orphanet 140162, MedGen C0027672, MeSH D009386, MONDO:0015356.

Allele frequency attached by ClinVar (database versions not stated): TOPMed below 0.00001; ExAC 0.00002; gnomAD 0.00002; gnomAD exomes 0.00004.
gnomAD v4.1: 12 of 1,614,074 alleles (0.00074%); highest among the groups gnomAD compares: East Asian, 0.022%; no homozygotes.

Submissions (4):

PreventionGenetics, part of Exact Sciences
Classification: Likely benign for SDHA-related condition. Last evaluated: 2026-08-28. Review status: criteria provided, single submitter. Criteria: ACMG Guidelines, 2015. Collection method: clinical testing. Allele origin: germline.
Comment: This variant is classified as likely benign based on ACMG/AMP sequence variant interpretation guidelines (Richards et al. 2015 PMID: 25741868, with internal and published modifications).

Labcorp Genetics (formerly Invitae), Labcorp
Classification: Likely benign for Pheochromocytoma/paraganglioma syndrome 5; Mitochondrial complex II deficiency, nuclear type 1. Last evaluated: 2026-01-21. Review status: criteria provided, single submitter. Criteria: Invitae Variant Classification Sherloc (09022015). Collection method: clinical testing. Allele origin: germline.

Myriad Genetics, Inc.
Classification: Benign for Pheochromocytoma/paraganglioma syndrome 5. Last evaluated: 2025-03-10. Review status: criteria provided, single submitter. Criteria: Myriad Autosomal Dominant, Autosomal Recessive and X-Linked Classification Criteria (2023). Collection method: clinical testing. Allele origin: unknown.
Comment: This variant is considered benign. This variant is a silent/synonymous amino acid change and it is not expected to impact splicing.

Ambry Genetics
Classification: Likely benign for Hereditary cancer-predisposing syndrome. Last evaluated: 2018-05-24. Review status: criteria provided, single submitter. Criteria: Ambry Variant Classification Scheme 2023. Collection method: clinical testing. Allele origin: germline.